The following is an entry in ClinVar:

ClinVar aggregate classification (germline): Uncertain significance (1 of 4 stars; one submission).

Conditions:
Hypertrophic cardiomyopathy. Also called: HYPERTROPHIC MYOCARDIOPATHY. Identifiers: Orphanet 217569, MedGen C0007194, MeSH D002312, MONDO:0005045, HP:0001639.

Allele frequency attached by ClinVar (database versions not stated): ExAC 0.00003.
gnomAD v4.1: 5 of 1,613,918 alleles (0.00031%); highest among the groups gnomAD compares: Admixed American, 0.0083%; no homozygotes.

Submission:

Labcorp Genetics (formerly Invitae), Labcorp
Classification: Uncertain significance for Hypertrophic cardiomyopathy. Last evaluated: 2025-08-25. Review status: criteria provided, single submitter. Criteria: Invitae Variant Classification Sherloc (09022015). Collection method: clinical testing. Allele origin: germline.
Comment: This sequence change replaces tyrosine, which is neutral and polar, with serine, which is neutral and polar, at codon 968 of the MYOM1 protein (p.Tyr968Ser). This variant is present in population databases (rs374017958, gnomAD 0.01%). This variant has not been reported in the literature in individuals affected with MYOM1-related conditions. ClinVar contains an entry for this variant (Variation ID: 2167532). Invitae Evidence Modeling of protein sequence and biophysical properties (such as structural, functional, and spatial information, amino acid conservation, physicochemical variation, residue mobility, and thermodynamic stability) has been performed for this missense variant. However, the output from this modeling did not meet the statistical confidence thresholds required to predict the impact of this variant on MYOM1 protein function. In summary, the available evidence is currently insufficient to determine the role of this variant in disease. Therefore, it has been classified as a Variant of Uncertain Significance.

NM_003803.4(MYOM1):c.2903A>C (p.Tyr968Ser)

Gene: MYOM1 (myomesin 1; minus strand). Cytogenetic location: 18p11.31.
Variant type: single nucleotide variant.
Coding change: c.2903A>C on transcript NM_003803.4 (MANE Select); coding-DNA position 2903, A replaced by C.
Protein change: p.Tyr968Ser; replaces tyrosine 968 with serine.
Molecular consequence: missense variant.
Genome position (GRCh38, 1-based): chr18:3,126,789, T>G on the plus strand (A>C on the coding strand, the complement: MYOM1 is on the minus strand). VCF-style: chr18-3126789-T-G. GRCh37 (hg19) VCF-style: chr18-3126787-T-G.
Other names: c.2615A>C, p.Tyr872Ser (NM_019856.2); short protein forms Y872S, Y968S.
Identifiers: ClinVar variation 2167532 (VCV002167532.4), dbSNP rs374017958, ClinGen allele CA8874499.